The following is an entry in ClinVar:

ClinVar aggregate classification (germline): Uncertain significance. Review status: criteria provided, multiple submitters, no conflicts (2 of 4 stars). 2 submissions from 2 submitters: Uncertain significance (2). Last evaluated 2025-06-06.

Conditions:
Hereditary cancer-predisposing syndrome. Also called: Hereditary Cancer Syndrome; Hereditary neoplastic syndrome; Neoplastic Syndromes, Hereditary; Tumor predisposition. Identifiers: Orphanet 140162, MedGen C0027672, MeSH D009386, MONDO:0015356.

Submissions (2):

Ambry Genetics
Classification: Uncertain significance for Hereditary cancer-predisposing syndrome. Last evaluated: 2025-06-06. Review status: criteria provided, single submitter. Criteria: Ambry Variant Classification Scheme 2023. Collection method: clinical testing. Allele origin: germline.
Comment: The p.P849S variant (also known as c.2545C>T), located in coding exon 19 of the MSH3 gene, results from a C to T substitution at nucleotide position 2545. The proline at codon 849 is replaced by serine, an amino acid with similar properties. This amino acid position is conserved. In addition, this alteration is predicted to be deleterious by in silico analysis. Based on the available evidence, the clinical significance of this variant remains unclear.

Labcorp Genetics (formerly Invitae), Labcorp
Classification: Uncertain significance. Last evaluated: 2025-06-06. Review status: criteria provided, single submitter. Criteria: Invitae Variant Classification Sherloc (09022015). Collection method: clinical testing. Allele origin: germline.
Comment: This sequence change replaces proline, which is neutral and non-polar, with serine, which is neutral and polar, at codon 849 of the MSH3 protein (p.Pro849Ser). This variant is not present in population databases (gnomAD no frequency). This variant has not been reported in the literature in individuals affected with MSH3-related conditions. An algorithm developed to predict the effect of missense changes on protein structure and function (PolyPhen-2) suggests that this variant is likely to be disruptive. In summary, the available evidence is currently insufficient to determine the role of this variant in disease. Therefore, it has been classified as a Variant of Uncertain Significance.

NM_002439.5(MSH3):c.2545C>T (p.Pro849Ser)

Gene: MSH3 (mutS homolog 3; plus strand). Cytogenetic location: 5q14.1.
Variant type: single nucleotide variant.
Coding change: c.2545C>T on transcript NM_002439.5 (MANE Select); coding-DNA position 2545, C replaced by T.
Protein change: p.Pro849Ser; replaces proline 849 with serine.
Molecular consequence: missense variant.
Genome position (GRCh38, 1-based): chr5:80,792,734, C>T. VCF-style: chr5-80792734-C-T. GRCh37 (hg19) VCF-style: chr5-80088553-C-T.
Other names: short protein forms P849S.
Identifiers: ClinVar variation 3913662 (VCV003913662.2).